The following is an entry in ClinVar:

ClinVar aggregate classification (germline): Uncertain significance (1 of 4 stars; one submission).

gnomAD v4.1: 2 of 1,613,542 alleles (0.00012%); highest among the groups gnomAD compares: Non-Finnish European, 0.00017%; no homozygotes.

Submission:

Labcorp Genetics (formerly Invitae), Labcorp
Classification: Uncertain significance. Last evaluated: 2025-06-05. Review status: criteria provided, single submitter. Criteria: Invitae Variant Classification Sherloc (09022015). Collection method: clinical testing. Allele origin: germline.
Comment: This sequence change replaces glycine, which is neutral and non-polar, with aspartic acid, which is acidic and polar, at codon 774 of the AHDC1 protein (p.Gly774Asp). This variant is not present in population databases (gnomAD no frequency). This variant has not been reported in the literature in individuals affected with AHDC1-related conditions. An algorithm developed to predict the effect of missense changes on protein structure and function (PolyPhen-2) suggests that this variant is likely to be disruptive. In summary, the available evidence is currently insufficient to determine the role of this variant in disease. Therefore, it has been classified as a Variant of Uncertain Significance.

NM_001371928.1(AHDC1):c.2321G>A (p.Gly774Asp)

Gene: AHDC1 (AT-hook DNA binding motif containing 1; minus strand). Cytogenetic location: 1p36.11.
Variant type: single nucleotide variant.
Coding change: c.2321G>A on transcript NM_001371928.1 (MANE Select); coding-DNA position 2321, G replaced by A.
Protein change: p.Gly774Asp; replaces glycine 774 with aspartic acid.
Molecular consequence: missense variant.
Genome position (GRCh38, 1-based): chr1:27,549,795, C>T on the plus strand (G>A on the coding strand, the complement: AHDC1 is on the minus strand). VCF-style: chr1-27549795-C-T. GRCh37 (hg19) VCF-style: chr1-27876306-C-T.
Other names: c.2321G>A, p.Gly774Asp (NM_001029882.3); short protein forms G774D.
Identifiers: ClinVar variation 4775101 (VCV004775101.1).